The following is an entry in ClinVar:

ClinVar aggregate classification (germline): Benign. Review status: criteria provided, multiple submitters, no conflicts (2 of 4 stars). 8 submissions from 4 submitters: Benign (8). Last evaluated 2026-01-19.

Conditions:
Developmental and epileptic encephalopathy 98. Identifiers: MedGen C5562017, MONDO:0030472, OMIM 619605.
Fetal akinesia, respiratory insufficiency, microcephaly, polymicrogyria, and dysmorphic facies. Identifiers: MedGen C5562015, MONDO:0859204, OMIM 619602.
Familial hemiplegic migraine. Identifiers: MedGen C0338484, MONDO:0000700.
Alternating hemiplegia of childhood 1 (AHC1). Identifiers: Orphanet 2131, MedGen C3549447, MONDO:0007087, OMIM 104290.
Migraine, familial hemiplegic, 2. Identifiers: Orphanet 569, MedGen C1865322, MONDO:0011232, OMIM 602481.

Allele frequency attached by ClinVar (database versions not stated): ExAC 0.00058; 1000 Genomes Project 0.00120; gnomAD 0.00155 and 0.00168; TOPMed 0.00179; ESP Exome Variant Server 0.00208; 1000 Genomes Project 30x 0.00156.
gnomAD v4.1: 489 of 1,614,090 alleles (0.03%); highest among the groups gnomAD compares: African/African-American, 0.51%; 1 homozygote.

Submissions (8):

Labcorp Genetics (formerly Invitae), Labcorp
Classification: Benign for Familial hemiplegic migraine. Last evaluated: 2026-01-19. Review status: criteria provided, single submitter. Criteria: Invitae Variant Classification Sherloc (09022015). Collection method: clinical testing. Allele origin: germline.

Genome-Nilou Lab
Classification: Benign for Alternating hemiplegia of childhood 1. Last evaluated: 2021-12-05. Review status: criteria provided, single submitter. Criteria: ACMG Guidelines, 2015. Collection method: clinical testing. Allele origin: germline. Affected: no.

Genome-Nilou Lab
Classification: Benign for Developmental and epileptic encephalopathy 98. Last evaluated: 2021-12-05. Review status: criteria provided, single submitter. Criteria: ACMG Guidelines, 2015. Collection method: clinical testing. Allele origin: germline. Affected: no.

Genome-Nilou Lab
Classification: Benign for Fetal akinesia, respiratory insufficiency, microcephaly, polymicrogyria, and dysmorphic facies. Last evaluated: 2021-12-05. Review status: criteria provided, single submitter. Criteria: ACMG Guidelines, 2015. Collection method: clinical testing. Allele origin: germline. Affected: no.

Genome-Nilou Lab
Classification: Benign for Migraine, familial hemiplegic, 2. Last evaluated: 2021-12-05. Review status: criteria provided, single submitter. Criteria: ACMG Guidelines, 2015. Collection method: clinical testing. Allele origin: germline. Affected: no.

Illumina Laboratory Services, Illumina
Classification: Benign for Migraine, familial hemiplegic, 2. Last evaluated: 2018-01-13. Review status: criteria provided, single submitter. Criteria: ICSL Variant Classification Criteria 13 December 2019. Collection method: clinical testing. Allele origin: germline.
Comment: This variant was observed in the ICSL laboratory as part of a predisposition screen in an ostensibly healthy population. It had not been previously curated by ICSL or reported in the Human Gene Mutation Database (HGMD: prior to June 1st, 2018), and was therefore a candidate for classification through an automated scoring system. Utilizing variant allele frequency, disease prevalence and penetrance estimates, and inheritance mode, an automated score was calculated to assess if this variant is too frequent to cause the disease. Based on the score and internal cut-off values, a variant classified as benign is not then subjected to further curation. The score for this variant resulted in a classification of benign for this disease.

Illumina Laboratory Services, Illumina
Classification: Benign for Alternating hemiplegia of childhood 1. Last evaluated: 2018-01-13. Review status: criteria provided, single submitter. Criteria: ICSL Variant Classification Criteria 13 December 2019. Collection method: clinical testing. Allele origin: germline.
Comment: the same text as in the submission from Illumina Laboratory Services, Illumina above.

GeneDx
Classification: Benign. Last evaluated: 2014-05-21. Review status: criteria provided, single submitter. Criteria: GeneDx Variant Classification (06012015). Collection method: clinical testing. Allele origin: germline. Affected: yes.
Comment: This variant is considered likely benign or benign based on one or more of the following criteria: it is a conservative change, it occurs at a poorly conserved position in the protein, it is predicted to be benign by multiple in silico algorithms, and/or has population frequency not consistent with disease.

NM_000702.4(ATP1A2):c.2115+14C>T

Gene: ATP1A2 (ATPase Na+/K+ transporting subunit alpha 2; plus strand). Cytogenetic location: 1q23.2.
Variant type: single nucleotide variant.
Coding change: c.2115+14C>T on transcript NM_000702.4 (MANE Select); 14 bases into the intron after coding-DNA position 2115, C replaced by T.
Molecular consequence: intron variant.
Genome position (GRCh38, 1-based): chr1:160,135,309, C>T. VCF-style: chr1-160135309-C-T. GRCh37 (hg19) VCF-style: chr1-160105099-C-T.
Identifiers: ClinVar variation 136452 (VCV000136452.13), dbSNP rs200854586, ClinGen allele CA289583.
Genomic context (GRCh38, chr1:160,135,309, plus strand): 5'-CGTCTCCCCAGCAGAAGCTCATCATTGTGGAGGGATGTCAGAGGCAGGTGAGCACAGCCA[C>T]GGGAGGCAGATGACAGGCAGGGACCGGGGAGGCAGGGACAGGGCCAAGACAAGCATGGAG-3'